The following is an entry in ClinVar:

NM_014797.3(ZBTB24):c.783C>G (p.Ser261=)

Gene: ZBTB24 (zinc finger and BTB domain containing 24; minus strand). Cytogenetic location: 6q21.
Variant type: single nucleotide variant.
Coding change: c.783C>G on transcript NM_014797.3 (MANE Select); coding-DNA position 783, C replaced by G.
Protein change: p.Ser261=; no amino-acid change (serine 261 retained).
Molecular consequence: synonymous variant.
Genome position (GRCh38, 1-based): chr6:109,481,244, G>C on the plus strand (C>G on the coding strand, the complement: ZBTB24 is on the minus strand). VCF-style: chr6-109481244-G-C. GRCh37 (hg19) VCF-style: chr6-109802447-G-C.
Other names: c.783C>G, p.Ser261= (NM_001164313.2).
Identifiers: ClinVar variation 5040675 (VCV005040675.1).

ClinVar aggregate classification (germline): Likely benign (1 of 4 stars; one submission).

Submission:

CeGaT Center for Human Genetics Tuebingen
Classification: Likely benign. Last evaluated: 2026-09-01. Review status: criteria provided, single submitter. Criteria: CeGaT Center For Human Genetics Tuebingen Variant Classification Criteria Version 2. Collection method: clinical testing. Allele origin: germline. Affected: yes. Observed: 1 variant allele.
Comment: ZBTB24: PM2:Supporting, BP4, BP7